The following is an entry in ClinVar:

ClinVar aggregate classification (germline): Uncertain significance (1 of 4 stars; one submission).

Conditions:
MAP1B-related disorder. Also called: MAP1B-related condition.

Allele frequency attached by ClinVar (database versions not stated): TOPMed below 0.00001; gnomAD 0.00001.
gnomAD v4.1: 1 of 1,614,076 alleles (0.000062%); highest among the groups gnomAD compares: African/African-American, 0.0013%; no homozygotes.

Submission:

PreventionGenetics, part of Exact Sciences
Classification: Uncertain significance for MAP1B-related condition. Last evaluated: 2023-04-10. Review status: criteria provided, single submitter. Criteria: ACMG Guidelines, 2015. Collection method: clinical testing. Allele origin: germline.
Comment: The MAP1B c.3935G>C variant is predicted to result in the amino acid substitution p.Ser1312Thr. To our knowledge, this variant has not been reported in the literature or in a large population database, indicating this variant is rare. At this time, the clinical significance of this variant is uncertain due to the absence of conclusive functional and genetic evidence.

NM_005909.5(MAP1B):c.3935G>C (p.Ser1312Thr)

Gene: MAP1B (microtubule associated protein 1B; plus strand). Cytogenetic location: 5q13.2.
Variant type: single nucleotide variant.
Coding change: c.3935G>C on transcript NM_005909.5 (MANE Select); coding-DNA position 3935, G replaced by C.
Protein change: p.Ser1312Thr; replaces serine 1312 with threonine.
Molecular consequence: missense variant.
Genome position (GRCh38, 1-based): chr5:72,197,290, G>C. VCF-style: chr5-72197290-G-C. GRCh37 (hg19) VCF-style: chr5-71493117-G-C.
Other names: c.3557G>C, p.Ser1186Thr (NM_001324255.2); short protein forms S1186T, S1312T.
Identifiers: ClinVar variation 2633798 (VCV002633798.1), dbSNP rs1372740525, ClinGen allele CA360013493.